The following is an entry in ClinVar:

NM_001378969.1(KCND3):c.692C>T (p.Thr231Met)

Gene: KCND3 (potassium voltage-gated channel subfamily D member 3; minus strand). Cytogenetic location: 1p13.2.
Variant type: single nucleotide variant.
Coding change: c.692C>T on transcript NM_001378969.1 (MANE Select); coding-DNA position 692, C replaced by T.
Protein change: p.Thr231Met; replaces threonine 231 with methionine.
Molecular consequence: missense variant.
Genome position (GRCh38, 1-based): chr1:111,982,035, G>A on the plus strand (C>T on the coding strand, the complement: KCND3 is on the minus strand). VCF-style: chr1-111982035-G-A. GRCh37 (hg19) VCF-style: chr1-112524657-G-A.
Other names: c.692C>T, p.Thr231Met (NM_172198.3, NM_001378970.1, NM_004980.5); short protein forms T231M.
Identifiers: ClinVar variation 4055879 (VCV004055879.2).

ClinVar aggregate classification (germline): Uncertain significance (1 of 4 stars; one submission).

Submission:

GeneDx
Classification: Uncertain significance. Last evaluated: 2025-10-22. Review status: criteria provided, single submitter. Criteria: GeneDx Variant Classification Process June 2021. Collection method: clinical testing. Allele origin: germline.
Comment: Not observed at significant frequency in large population cohorts (gnomAD); In silico analysis supports that this missense variant has a deleterious effect on protein structure/function; Has not been previously published as pathogenic or benign to our knowledge